The following is an entry in ClinVar:

ClinVar aggregate classification (germline): Uncertain significance. Review status: criteria provided, multiple submitters, no conflicts (2 of 4 stars). 4 submissions from 4 submitters: Uncertain significance (4). Last evaluated 2025-11-17.

Conditions:
Hereditary cancer-predisposing syndrome. Also called: Hereditary neoplastic syndrome; Neoplastic Syndromes, Hereditary; Tumor predisposition; Hereditary Cancer Syndrome. Identifiers: Orphanet 140162, MedGen C0027672, MeSH D009386, MONDO:0015356.
Microcephaly, normal intelligence and immunodeficiency (NBS). Also called: IMMUNODEFICIENCY, MICROCEPHALY, AND CHROMOSOMAL INSTABILITY; SEEMANOVA SYNDROME II; Nijmegen breakage syndrome; Microcephaly with normal intelligence immunodeficiency and lymphoreticular malignancies; Nonsyndromal microcephaly autosomal recessive with normal intelligence; Seemanova syndrome 2. Identifiers: Orphanet 647, MedGen C0398791, MONDO:0009623, OMIM 251260.

Submissions (4):

Labcorp Genetics (formerly Invitae), Labcorp
Classification: Uncertain significance for Microcephaly, normal intelligence and immunodeficiency. Last evaluated: 2025-11-17. Review status: criteria provided, single submitter. Criteria: Invitae Variant Classification Sherloc (09022015). Collection method: clinical testing. Allele origin: germline.
Comment: This sequence change replaces aspartic acid, which is acidic and polar, with tyrosine, which is neutral and polar, at codon 645 of the NBN protein (p.Asp645Tyr). This variant is not present in population databases (gnomAD no frequency). This variant has not been reported in the literature in individuals affected with NBN-related conditions. ClinVar contains an entry for this variant (Variation ID: 480032). An algorithm developed to predict the effect of missense changes on protein structure and function (PolyPhen-2) suggests that this variant is likely to be disruptive. In summary, the available evidence is currently insufficient to determine the role of this variant in disease. Therefore, it has been classified as a Variant of Uncertain Significance.

Genome-Nilou Lab
Classification: Uncertain significance for Microcephaly, normal intelligence and immunodeficiency. Last evaluated: 2021-11-07. Review status: criteria provided, single submitter. Criteria: ACMG Guidelines, 2015. Collection method: clinical testing. Allele origin: germline. Affected: no.

GeneDx
Classification: Uncertain significance. Last evaluated: 2019-09-09. Review status: criteria provided, single submitter. Criteria: GeneDx Variant Classification Process June 2021. Collection method: clinical testing. Allele origin: germline. Affected: yes.
Comment: Not observed in large population cohorts (Lek 2016); In silico analysis, which includes protein predictors and evolutionary conservation, supports a deleterious effect; Has not been previously published as pathogenic or benign to our knowledge

Ambry Genetics
Classification: Uncertain significance for Hereditary cancer-predisposing syndrome. Last evaluated: 2019-02-27. Review status: criteria provided, single submitter. Criteria: Ambry Variant Classification Scheme 2023. Collection method: clinical testing. Allele origin: germline.
Comment: The p.D645Y variant (also known as c.1933G>T), located in coding exon 13 of the NBN gene, results from a G to T substitution at nucleotide position 1933. The aspartic acid at codon 645 is replaced by tyrosine, an amino acid with highly dissimilar properties. This amino acid position is not well conserved in available vertebrate species. In addition, this alteration is predicted to be tolerated by in silico analysis. Since supporting evidence is limited at this time, the clinical significance of this alteration remains unclear.

NM_002485.5(NBN):c.1933G>T (p.Asp645Tyr)

Gene: NBN (nibrin; minus strand). Cytogenetic location: 8q21.3.
Variant type: single nucleotide variant.
Coding change: c.1933G>T on transcript NM_002485.5 (MANE Select); coding-DNA position 1933, G replaced by T.
Protein change: p.Asp645Tyr; replaces aspartic acid 645 with tyrosine.
Molecular consequence: missense variant.
Genome position (GRCh38, 1-based): chr8:89,946,277, C>A on the plus strand (G>T on the coding strand, the complement: NBN is on the minus strand). VCF-style: chr8-89946277-C-A. GRCh37 (hg19) VCF-style: chr8-90958505-C-A.
Other names: c.1687G>T, p.Asp563Tyr (NM_001024688.3); short protein forms D645Y, D563Y.
Identifiers: ClinVar variation 480032 (VCV000480032.18), dbSNP rs1064796613, ClinGen allele CA371676770.